The following is an entry in ClinVar:

ClinVar aggregate classification (germline): Uncertain significance. Review status: criteria provided, multiple submitters, no conflicts (2 of 4 stars). 2 submissions from 2 submitters: Uncertain significance (2). Last evaluated 2021-08-19.

Conditions:
Peripheral neuropathy. Also called: Neuropathy. Identifiers: MedGen C0031117, MONDO:0005244, HP:0009830.

Allele frequency attached by ClinVar (database versions not stated): gnomAD exomes 0.00001.
gnomAD v4.1: 6 of 1,612,646 alleles (0.00037%); highest among the groups gnomAD compares: South Asian, 0.0044%; no homozygotes.

Submissions (2):

Ambry Genetics
Classification: Uncertain significance. Last evaluated: 2021-08-19. Review status: criteria provided, single submitter. Criteria: Ambry Variant Classification Scheme 2023. Collection method: clinical testing. Allele origin: germline.

Labcorp Genetics (formerly Invitae), Labcorp
Classification: Uncertain significance for Peripheral neuropathy. Last evaluated: 2019-08-06. Review status: criteria provided, single submitter. Criteria: Invitae Variant Classification Sherloc (09022015). Collection method: clinical testing. Allele origin: germline.
Comment: This sequence change replaces serine with leucine at codon 194 of the FLRT1 protein (p.Ser194Leu). The serine residue is highly conserved and there is a large physicochemical difference between serine and leucine. This variant is not present in population databases (ExAC no frequency). This variant has not been reported in the literature in individuals with FLRT1-related conditions. Algorithms developed to predict the effect of missense changes on protein structure and function are either unavailable or do not agree on the potential impact of this missense change (SIFT: "Deleterious"; PolyPhen-2: "Benign"; Align-GVGD: "Class C0"). In summary, the available evidence is currently insufficient to determine the role of this variant in disease. Therefore, it has been classified as a Variant of Uncertain Significance.

NM_013280.5(FLRT1):c.581C>T (p.Ser194Leu)

Genes: FLRT1 (fibronectin leucine rich transmembrane protein 1; plus strand), MACROD1 (mono-ADP ribosylhydrolase 1; minus strand). Cytogenetic location: 11q13.1.
Variant type: single nucleotide variant.
Coding change: c.581C>T on transcript NM_013280.5 (MANE Select); coding-DNA position 581, C replaced by T.
Protein change: p.Ser194Leu; replaces serine 194 with leucine.
Molecular consequence: missense variant. On other transcripts: intron variant (2).
Genome position (GRCh38, 1-based): chr11:64,116,848, C>T. VCF-style: chr11-64116848-C-T. GRCh37 (hg19) VCF-style: chr11-63884320-C-T.
Other names: c.581C>T, p.Ser194Leu (NM_001384466.1); c.497C>T, p.Ser166Leu (NM_001423967.1); c.517+34391G>A (NM_001411019.1, NM_014067.4); short protein forms S194L, S166L.
Identifiers: ClinVar variation 957887 (VCV000957887.10), dbSNP rs1266306392, ClinGen allele CA381058093.
Genomic context (GRCh38, chr11:64,116,848, plus strand): 5'-CCGACAGCAAACAGCTCAAGCTGCTCTTCCTGAGCCGGAACCACCTGAGCAGCATCCCCT[C>T]GGGGCTGCCGCACACGCTGGAGGAGCTGCGGCTGGATGACAACCGCATCTCCACCATCCC-3'
Protein context (NP_037412.2, residues 184-204): LSRNHLSSIP[Ser194Leu]GLPHTLEELR